The following is an entry in ClinVar:

NM_000092.5(COL4A4):c.558+5G>A

Gene: COL4A4 (collagen type IV alpha 4 chain; minus strand). Cytogenetic location: 2q36.3.
Variant type: single nucleotide variant.
Coding change: c.558+5G>A on transcript NM_000092.5 (MANE Select); 5 bases into the intron after coding-DNA position 558, G replaced by A.
Molecular consequence: intron variant.
Genome position (GRCh38, 1-based): chr2:227,114,623, C>T on the plus strand (G>A on the coding strand, the complement: COL4A4 is on the minus strand). VCF-style: chr2-227114623-C-T. GRCh37 (hg19) VCF-style: chr2-227979339-C-T.
Identifiers: ClinVar variation 2959303 (VCV002959303.3), dbSNP rs1008702475, ClinGen allele CA66572663.

ClinVar aggregate classification (germline): Uncertain significance (1 of 4 stars; one submission).

Allele frequency attached by ClinVar (database versions not stated): TOPMed below 0.00001.

Submission:

Labcorp Genetics (formerly Invitae), Labcorp
Classification: Uncertain significance. Last evaluated: 2023-08-19. Review status: criteria provided, single submitter. Criteria: Invitae Variant Classification Sherloc (09022015). Collection method: clinical testing. Allele origin: germline.
Comment: In summary, the available evidence is currently insufficient to determine the role of this variant in disease. Therefore, it has been classified as a Variant of Uncertain Significance. Variants that disrupt the consensus splice site are a relatively common cause of aberrant splicing (PMID: 17576681, 9536098). Algorithms developed to predict the effect of sequence changes on RNA splicing suggest that this variant may disrupt the consensus splice site. This variant has not been reported in the literature in individuals affected with COL4A4-related conditions. This variant is not present in population databases (gnomAD no frequency). This sequence change falls in intron 8 of the COL4A4 gene. It does not directly change the encoded amino acid sequence of the COL4A4 protein. It affects a nucleotide within the consensus splice site.

Literature cited by the submitters: PubMed 17576681; PubMed 9536098.